The following is an entry in ClinVar:

NM_000553.6(WRN):c.3319G>A (p.Glu1107Lys)

Gene: WRN (WRN RecQ like helicase; plus strand). Cytogenetic location: 8p12.
Variant type: single nucleotide variant.
Coding change: c.3319G>A on transcript NM_000553.6 (MANE Select); coding-DNA position 3319, G replaced by A.
Protein change: p.Glu1107Lys; replaces glutamic acid 1107 with lysine.
Molecular consequence: missense variant.
Genome position (GRCh38, 1-based): chr8:31,143,559, G>A. VCF-style: chr8-31143559-G-A. GRCh37 (hg19) VCF-style: chr8-31001075-G-A.
Other names: short protein forms E1107K.
Identifiers: ClinVar variation 1722274 (VCV001722274.5), dbSNP rs2536035616, ClinGen allele CA370923988.
Genomic context (GRCh38, chr8:31,143,559, plus strand): 5'-TAAAAGTTTTTTGAAACTTTTTTTAATGGACCTTTATATGTTTAAATGCAGTCTAACTTG[G>A]AGAAGTTATATTCTTATAAACCATGTGATAAGATTTCTTCTGGGAGTAACATTTCTAAAA-3'
Protein context (NP_000544.2, residues 1097-1117): ELSTEKKSNL[Glu1107Lys]KLYSYKPCDK

ClinVar aggregate classification (germline): Uncertain significance (1 of 4 stars; one submission).

Conditions:
Werner syndrome (WRN). Identifiers: Orphanet 902, MedGen C0043119, MONDO:0010196, OMIM 277700.

Submission:

Labcorp Genetics (formerly Invitae), Labcorp
Classification: Uncertain significance for Werner syndrome. Last evaluated: 2022-07-21. Review status: criteria provided, single submitter. Criteria: Invitae Variant Classification Sherloc (09022015). Collection method: clinical testing. Allele origin: germline.
Comment: In summary, the available evidence is currently insufficient to determine the role of this variant in disease. Therefore, it has been classified as a Variant of Uncertain Significance. Algorithms developed to predict the effect of missense changes on protein structure and function output the following: SIFT: "Not Available"; PolyPhen-2: "Benign"; Align-GVGD: "Not Available". The lysine amino acid residue is found in multiple mammalian species, which suggests that this missense change does not adversely affect protein function. This variant has not been reported in the literature in individuals affected with WRN-related conditions. This variant is not present in population databases (gnomAD no frequency). This sequence change replaces glutamic acid, which is acidic and polar, with lysine, which is basic and polar, at codon 1107 of the WRN protein (p.Glu1107Lys).